The following is an entry in ClinVar:

ClinVar aggregate classification (germline): Uncertain significance (1 of 4 stars; one submission).

Conditions:
Early-infantile DEE. Also called: Ohtahara syndrome; Early infantile epileptic encephalopathy; Early infantile epileptic encephalopathy with suppression bursts. Identifiers: Orphanet 1934, MedGen C0393706, MONDO:0800491.

Submission:

Labcorp Genetics (formerly Invitae), Labcorp
Classification: Uncertain significance for Early-infantile DEE. Last evaluated: 2022-03-15. Review status: criteria provided, single submitter. Criteria: Invitae Variant Classification Sherloc (09022015). Collection method: clinical testing. Allele origin: germline.
Comment: This variant is not present in population databases (gnomAD no frequency). This variant has not been reported in the literature in individuals affected with KCNH5-related conditions. Advanced modeling of protein sequence and biophysical properties (such as structural, functional, and spatial information, amino acid conservation, physicochemical variation, residue mobility, and thermodynamic stability) performed at Invitae indicates that this missense variant is not expected to disrupt KCNH5 protein function. In summary, the available evidence is currently insufficient to determine the role of this variant in disease. Therefore, it has been classified as a Variant of Uncertain Significance. This sequence change replaces threonine, which is neutral and polar, with serine, which is neutral and polar, at codon 665 of the KCNH5 protein (p.Thr665Ser).

NM_139318.5(KCNH5):c.1993A>T (p.Thr665Ser)

Gene: KCNH5 (potassium voltage-gated channel subfamily H member 5; minus strand). Cytogenetic location: 14q23.2.
Variant type: single nucleotide variant.
Coding change: c.1993A>T on transcript NM_139318.5 (MANE Select); coding-DNA position 1993, A replaced by T.
Protein change: p.Thr665Ser; replaces threonine 665 with serine.
Molecular consequence: missense variant. On other transcripts: intron variant (1).
Genome position (GRCh38, 1-based): chr14:62,779,754, T>A on the plus strand (A>T on the coding strand, the complement: KCNH5 is on the minus strand). VCF-style: chr14-62779754-T-A. GRCh37 (hg19) VCF-style: chr14-63246472-T-A.
Other names: c.1822+22575A>T (NM_172375.3); short protein forms T665S.
Identifiers: ClinVar variation 1523713 (VCV001523713.7), dbSNP rs2139975358, ClinGen allele CA390099056.